The following is an entry in ClinVar:

NM_015246.4(MGRN1):c.1713C>T (p.Ala571=)

Gene: MGRN1 (mahogunin ring finger 1; plus strand). Cytogenetic location: 16p13.3.
Variant type: single nucleotide variant.
Coding change: c.1713C>T on transcript NM_015246.4 (MANE Select); coding-DNA position 1713, C replaced by T.
Protein change: p.Ala571=; no amino-acid change (alanine 571 retained).
Molecular consequence: synonymous variant. On other transcripts: 3 prime UTR variant (2), non-coding transcript variant (1).
Genome position (GRCh38, 1-based): chr16:4,688,890, C>T. VCF-style: chr16-4688890-C-T. GRCh37 (hg19) VCF-style: chr16-4738891-C-T.
Other names: c.1647C>T, p.Ala549= (NM_001142289.3); c.*2591C>T (NM_001142290.3, NM_001142291.3).
Identifiers: ClinVar variation 2646156 (VCV002646156.24), dbSNP rs139807713, ClinGen allele CA7879038.

ClinVar aggregate classification (germline): Likely benign (1 of 4 stars; one submission).

Allele frequency attached by ClinVar (database versions not stated): ESP Exome Variant Server 0.00034; gnomAD exomes 0.00034; TOPMed 0.00035; gnomAD 0.00036; ExAC 0.00049; 1000 Genomes Project 30x 0.00016; 1000 Genomes Project 0.00020.
gnomAD v4.1: 527 of 1,549,182 alleles (0.034%); highest among the groups gnomAD compares: Non-Finnish European, 0.042%; 1 homozygote.

Submission:

CeGaT Center for Human Genetics Tuebingen
Classification: Likely benign. Last evaluated: 2022-06-01. Review status: criteria provided, single submitter. Criteria: CeGaT Center For Human Genetics Tuebingen Variant Classification Criteria Version 2. Collection method: clinical testing. Allele origin: germline. Affected: yes. Observed: 1 variant allele.
Comment: MGRN1: BP4, BP7